The following is an entry in ClinVar:

ClinVar aggregate classification (germline): Uncertain significance (1 of 4 stars; one submission).

gnomAD v4.1: 5 of 1,612,802 alleles (0.00031%); highest among the groups gnomAD compares: Admixed American, 0.0017%; no homozygotes.

Submission:

Women's Health and Genetics/Laboratory Corporation of America, LabCorp
Classification: Uncertain significance. Last evaluated: 2025-12-26. Review status: criteria provided, single submitter. Criteria: LabCorp Variant Classification Summary - May 2015. Collection method: clinical testing. Allele origin: germline.
Comment: Variant summary: TMC1 c.1247T>G (p.Leu416Arg) results in a non-conservative amino acid change in the encoded protein sequence. Algorithms developed to predict the effect of missense changes on protein structure and function all suggest that this variant is likely to be disruptive. The variant was absent in 251290 control chromosomes. c.1247T>G has been observed in compound heterozygous individual(s) affected with Nonsyndromic Hearing Loss And Deafness, Type 7 (Chen_2015, Sloan-Heggen_2016). These data indicate that the variant may be associated with disease. To our knowledge, no experimental evidence demonstrating an impact on protein function has been reported. The following publications have been ascertained in the context of this evaluation (PMID: 26011067, 29692870, 26969326, 32658404). No submitters have cited clinical-significance assessments for this variant to ClinVar. Based on the evidence outlined above, the variant was classified as VUS-possibly pathogenic.

Literature cited by the submitters: PubMed 26969326; PubMed 32658404; PubMed 26011067; PubMed 29692870.

NM_138691.3(TMC1):c.1247T>G (p.Leu416Arg)

Gene: TMC1 (transmembrane channel like 1; plus strand). Cytogenetic location: 9q21.13.
Variant type: single nucleotide variant.
Coding change: c.1247T>G on transcript NM_138691.3 (MANE Select); coding-DNA position 1247, T replaced by G.
Protein change: p.Leu416Arg; replaces leucine 416 with arginine.
Molecular consequence: missense variant.
Genome position (GRCh38, 1-based): chr9:72,791,908, T>G. VCF-style: chr9-72791908-T-G. GRCh37 (hg19) VCF-style: chr9-75406824-T-G.
Other names: short protein forms L416R.
Identifiers: ClinVar variation 4688817 (VCV004688817.1).